The following is an entry in ClinVar:

NM_001377295.2(GNAT2):c.1031T>C (p.Ile344Thr)

Gene: GNAT2 (G protein subunit alpha transducin 2; minus strand). Cytogenetic location: 1p13.3.
Variant type: single nucleotide variant.
Coding change: c.1031T>C on transcript NM_001377295.2 (MANE Select); coding-DNA position 1031, T replaced by C.
Protein change: p.Ile344Thr; replaces isoleucine 344 with threonine.
Molecular consequence: missense variant.
Genome position (GRCh38, 1-based): chr1:109,603,388, A>G on the plus strand (T>C on the coding strand, the complement: GNAT2 is on the minus strand). VCF-style: chr1-109603388-A-G. GRCh37 (hg19) VCF-style: chr1-110146010-A-G.
Other names: c.1031T>C, p.Ile344Thr (NM_001379232.1, NM_005272.5); c.1031T>C (NM_005272.3); short protein forms I344T.
Identifiers: ClinVar variation 1058578 (VCV001058578.6), dbSNP rs753014058, ClinGen allele CA992256.

ClinVar aggregate classification (germline): Uncertain significance. Review status: criteria provided, multiple submitters, no conflicts (2 of 4 stars). 3 submissions from 3 submitters: Uncertain significance (3). Last evaluated 2025-01-06.

Conditions:
Inborn genetic diseases. Identifiers: MedGen C0950123, MeSH D030342.
Achromatopsia 4 (ACHM4). Identifiers: Orphanet 49382, MedGen C1841721, MONDO:0013465, OMIM 613856.

Allele frequency attached by ClinVar (database versions not stated): ExAC 0.00001; gnomAD 0.00001; gnomAD exomes 0.00001 and 0.00002; TOPMed 0.00002.
gnomAD v4.1: 22 of 1,605,572 alleles (0.0014%); highest among the groups gnomAD compares: Non-Finnish European, 0.0019%; no homozygotes.

Submissions (3):

Labcorp Genetics (formerly Invitae), Labcorp
Classification: Uncertain significance. Last evaluated: 2025-01-06. Review status: criteria provided, single submitter. Criteria: Invitae Variant Classification Sherloc (09022015). Collection method: clinical testing. Allele origin: germline.
Comment: This sequence change replaces isoleucine, which is neutral and non-polar, with threonine, which is neutral and polar, at codon 344 of the GNAT2 protein (p.Ile344Thr). This variant is present in population databases (rs753014058, gnomAD 0.003%). This variant has not been reported in the literature in individuals affected with GNAT2-related conditions. ClinVar contains an entry for this variant (Variation ID: 1058578). Invitae Evidence Modeling of protein sequence and biophysical properties (such as structural, functional, and spatial information, amino acid conservation, physicochemical variation, residue mobility, and thermodynamic stability) indicates that this missense variant is not expected to disrupt GNAT2 protein function with a negative predictive value of 80%. In summary, the available evidence is currently insufficient to determine the role of this variant in disease. Therefore, it has been classified as a Variant of Uncertain Significance.

Genome-Nilou Lab
Classification: Uncertain significance for Achromatopsia 4. Last evaluated: 2023-04-11. Review status: criteria provided, single submitter. Criteria: ACMG Guidelines, 2015. Collection method: clinical testing. Allele origin: germline. Affected: no.

Ambry Genetics
Classification: Uncertain significance for Inborn genetic diseases. Last evaluated: 2023-03-02. Review status: criteria provided, single submitter. Criteria: Ambry Variant Classification Scheme 2023. Collection method: clinical testing. Allele origin: germline.